The following is an entry in ClinVar:

ClinVar aggregate classification (germline): Pathogenic. Review status: criteria provided, multiple submitters, no conflicts (2 of 4 stars). 2 submissions from 2 submitters: Pathogenic (2). Last evaluated 2025-10-09.

Conditions:
Hereditary cancer-predisposing syndrome. Also called: Hereditary Cancer Syndrome; Hereditary neoplastic syndrome; Neoplastic Syndromes, Hereditary; Tumor predisposition. Identifiers: Orphanet 140162, MedGen C0027672, MeSH D009386, MONDO:0015356.
Cardiovascular phenotype. Identifiers: MedGen CN230736.

Submissions (2):

Ambry Genetics
Classification: Pathogenic for Cardiovascular phenotype; Hereditary cancer-predisposing syndrome. Last evaluated: 2025-10-09. Review status: criteria provided, single submitter. Criteria: Ambry Variant Classification Scheme 2023. Collection method: clinical testing. Allele origin: germline.
Comment: The c.241delT pathogenic mutation, located in coding exon 2 of the LZTR1 gene, results from a deletion of one nucleotide at nucleotide position 241, causing a translational frameshift with a predicted alternate stop codon (p.Y81Mfs*20). This alteration is expected to result in loss of function by premature protein truncation or nonsense-mediated mRNA decay. Loss-of-function variants in LZTR1 are related to an increased risk for schwannomas and autosomal recessive Noonan syndrome; however, such associations with autosomal dominant Noonan syndrome have not been observed (Piotrowski A et al. Nat Genet. 2014 Feb;46:182-7; Yamamoto GL et al. J Med Genet. 2015 Jun;52:413-21; Johnston JJ et al. Genet Med. 2018 10;20:1175-1185). Based on the supporting evidence, this variant is pathogenic for an increased risk of LZTR1-related schwannomatosis (SWN) and would be expected to cause autosomal recessive Noonan syndrome when present along with a second pathogenic or likely pathogenic variant on the other allele; however, the association of this alteration with autosomal dominant Noonan syndrome is unlikely.

Labcorp Genetics (formerly Invitae), Labcorp
Classification: Pathogenic. Last evaluated: 2025-06-11. Review status: criteria provided, single submitter. Criteria: Invitae Variant Classification Sherloc (09022015). Collection method: clinical testing. Allele origin: germline.
Comment: This sequence change creates a premature translational stop signal (p.Tyr81Metfs*20) in the LZTR1 gene. It is expected to result in an absent or disrupted protein product. Loss-of-function variants in LZTR1 are known to be pathogenic (PMID: 24362817, 25335493, 25480913, 25795793, 29469822, 30368668, 30442762, 30442766, 30481304, 30859559). This variant is not present in population databases (gnomAD no frequency). This variant has not been reported in the literature in individuals affected with LZTR1-related conditions. ClinVar contains an entry for this variant (Variation ID: 3724599). For these reasons, this variant has been classified as Pathogenic.

Literature cited by the submitters: PubMed 24362817 (cited by Labcorp Genetics (formerly Invitae), Labcorp); PubMed 25335493 (cited by Labcorp Genetics (formerly Invitae), Labcorp); PubMed 25480913 (cited by Labcorp Genetics (formerly Invitae), Labcorp); PubMed 25795793 (cited by Labcorp Genetics (formerly Invitae), Labcorp); PubMed 29469822 (cited by Labcorp Genetics (formerly Invitae), Labcorp); PubMed 30368668 (cited by Labcorp Genetics (formerly Invitae), Labcorp); PubMed 30442762 (cited by Labcorp Genetics (formerly Invitae), Labcorp); PubMed 30442766 (cited by Labcorp Genetics (formerly Invitae), Labcorp); PubMed 30481304 (cited by Labcorp Genetics (formerly Invitae), Labcorp); PubMed 30859559 (cited by Labcorp Genetics (formerly Invitae), Labcorp).

NM_006767.4(LZTR1):c.241del (p.Tyr81fs)

Gene: LZTR1 (leucine zipper like post translational regulator 1; plus strand). Cytogenetic location: 22q11.21.
Variant type: Deletion.
Coding change: c.241del on transcript NM_006767.4 (MANE Select); coding-DNA position 241, one base deleted (T; older notation c.241delT).
Protein change: p.Tyr81fs; shifts the reading frame from tyrosine 81.
Molecular consequence: frameshift variant.
Genome position (GRCh38, 1-based): chr22:20,983,067, T deleted; the last of 3 consecutive T bases (chr22:20,983,065-20,983,067); deleting any one gives the same sequence. VCF-style (leftmost placement, unchanged base first): chr22-20983064-AT-A. GRCh37 (hg19) VCF-style: chr22-21337353-AT-A.
Other names: c.241delT (NM_006767.3); short protein forms Y81fs.
Identifiers: ClinVar variation 3724599 (VCV003724599.3).